The following is an entry in ClinVar:

ClinVar aggregate classification (germline): Likely benign (1 of 4 stars; one submission).

Submission:

CeGaT Center for Human Genetics Tuebingen
Classification: Likely benign. Last evaluated: 2023-08-01. Review status: criteria provided, single submitter. Criteria: CeGaT Center For Human Genetics Tuebingen Variant Classification Criteria Version 2. Collection method: clinical testing. Allele origin: germline. Affected: yes. Observed: 3 variant alleles.
Comment: MUC4: BP4, BS2

NM_018406.7(MUC4):c.4037C>T (p.Pro1346Leu)

Gene: MUC4 (mucin 4, cell surface associated). Cytogenetic location: 3q29.
Variant type: single nucleotide variant.
Coding change: c.4037C>T on transcript NM_018406.7 (MANE Select); coding-DNA position 4037, C replaced by T.
Protein change: p.Pro1346Leu; replaces proline 1346 with leucine.
Molecular consequence: missense variant. On other transcripts: genic upstream transcript variant (2).
Genome position (GRCh38, 1-based): chr3:195,787,543, G>A on the plus strand (C>T on the coding strand, the complement: MUC4 is on the minus strand). VCF-style: chr3-195787543-G-A. GRCh37 (hg19) VCF-style: chr3-195514414-G-A.
Other names: c.5204C>T, p.Pro1735Leu (NM_001322468.1); c.83-13238C>T (NM_138297.5); c.83-9088C>T (NM_004532.6); short protein forms P1346L, P1735L.
Identifiers: ClinVar variation 2654476 (VCV002654476.24), dbSNP rs199932220, ClinGen allele CA90784478.